The following is an entry in ClinVar:

NM_000081.4(LYST):c.1676G>A (p.Arg559His)

Gene: LYST (lysosomal trafficking regulator; minus strand). Cytogenetic location: 1q42.3.
Variant type: single nucleotide variant.
Coding change: c.1676G>A on transcript NM_000081.4 (MANE Select); coding-DNA position 1676, G replaced by A.
Protein change: p.Arg559His; replaces arginine 559 with histidine.
Molecular consequence: missense variant.
Genome position (GRCh38, 1-based): chr1:235,809,142, C>T on the plus strand (G>A on the coding strand, the complement: LYST is on the minus strand). VCF-style: chr1-235809142-C-T. GRCh37 (hg19) VCF-style: chr1-235972442-C-T.
Other names: c.1676G>A, p.Arg559His (NM_001301365.1); short protein forms R559H.
Identifiers: ClinVar variation 1440112 (VCV001440112.5), dbSNP rs138011756, ClinGen allele CA1467426.
Genomic context (GRCh38, chr1:235,809,142, plus strand): 5'-TTATGAACACCCGATAGGATCTGGACACAAGTGCTGCTCAAGGAAGCCTGCTGTAGTAAG[C>T]GCAAGCACTGATGGGCACACACTGCAATGCAACAGCACCGCTCAGGATAATAAACATCTC-3'
Protein context (NP_000072.2, residues 549-569): CIAVCAHQCL[Arg559His]LLQQASLSST

ClinVar aggregate classification (germline): Conflicting classifications of pathogenicity. Review status: criteria provided, conflicting classifications (1 of 4 stars). 3 submissions from 3 submitters: Uncertain significance (2); Likely benign (1). Last evaluated 2022-11-18.

Conditions:
Chédiak-Higashi syndrome (CHS). Also called: Chediak-Higashi Syndrome. Identifiers: Orphanet 167, MedGen C0007965, MONDO:0008963, OMIM 214500.

Allele frequency attached by ClinVar (database versions not stated): gnomAD exomes 0.00002; gnomAD 0.00003; TOPMed 0.00005; ESP Exome Variant Server 0.00008; ExAC 0.00009.
gnomAD v4.1: 35 of 1,613,894 alleles (0.0022%); highest among the groups gnomAD compares: Admixed American, 0.037%; no homozygotes.

Submissions (3):

Blueprint Genetics
Classification: Likely benign. Last evaluated: 2022-11-18. Review status: criteria provided, single submitter. Criteria: ACMG Guidelines, 2015. Collection method: clinical testing. Allele origin: germline.

Labcorp Genetics (formerly Invitae), Labcorp
Classification: Uncertain significance for Chédiak-Higashi syndrome. Last evaluated: 2022-08-21. Review status: criteria provided, single submitter. Criteria: Invitae Variant Classification Sherloc (09022015). Collection method: clinical testing. Allele origin: germline.
Comment: This sequence change replaces arginine, which is basic and polar, with histidine, which is basic and polar, at codon 559 of the LYST protein (p.Arg559His). This variant is present in population databases (rs138011756, gnomAD 0.05%). This variant has not been reported in the literature in individuals affected with LYST-related conditions. ClinVar contains an entry for this variant (Variation ID: 1440112). Algorithms developed to predict the effect of missense changes on protein structure and function output the following: SIFT: "Tolerated"; PolyPhen-2: "Benign"; Align-GVGD: "Class C0". The histidine amino acid residue is found in multiple mammalian species, which suggests that this missense change does not adversely affect protein function. In summary, the available evidence is currently insufficient to determine the role of this variant in disease. Therefore, it has been classified as a Variant of Uncertain Significance.

Fulgent Genetics
Classification: Uncertain significance for Chédiak-Higashi syndrome. Last evaluated: 2021-09-13. Review status: criteria provided, single submitter. Criteria: ACMG Guidelines, 2015. Collection method: clinical testing. Allele origin: unknown.